The following is an entry in ClinVar:

ClinVar aggregate classification (germline): Benign/Likely benign. Review status: criteria provided, multiple submitters, no conflicts (2 of 4 stars). 11 submissions from 11 submitters: Benign (7); Likely benign (2). 2 of the submissions do not count toward it. Last evaluated 2026-09-01.

Conditions:
Cardiovascular phenotype. Identifiers: MedGen CN230736.
Catecholaminergic polymorphic ventricular tachycardia 5 (CARDAR). Also called: Ventricular tachycardia, catecholaminergic polymorphic, 5, with or without muscle weakness; CARDIAC ARRHYTHMIA SYNDROME, WITH OR WITHOUT SKELETAL MUSCLE WEAKNESS. Identifiers: Orphanet 3286, MedGen C3809536, MONDO:0014191, OMIM 615441.
Catecholaminergic polymorphic ventricular tachycardia 1. Also called: RYR2-Related Catecholaminergic Polymorphic Ventricular Tachycardia; VENTRICULAR TACHYCARDIA, STRESS-INDUCED POLYMORPHIC 1; VENTRICULAR TACHYCARDIA, CATECHOLAMINERGIC POLYMORPHIC, 1, WITH OR WITHOUT ATRIAL DYSFUNCTION AND/OR DILATED CARDIOMYOPATHY. Identifiers: Orphanet 3286, MedGen C1631597, MONDO:0011484, OMIM 604772.

Allele frequency attached by ClinVar (database versions not stated): 1000 Genomes Project 30x 0.00219; 1000 Genomes Project 0.00280; gnomAD exomes 0.00692 and 0.01036; ExAC 0.00731; TOPMed 0.00763; ESP Exome Variant Server 0.00777; gnomAD 0.00853 and 0.00900.
gnomAD v4.1: 14,649 of 1,458,352 alleles (1%); highest among the groups gnomAD compares: Non-Finnish European, 1.2%; 88 homozygotes.

Submissions (11):

CeGaT Center for Human Genetics Tuebingen
Classification: Benign. Last evaluated: 2026-09-01. Review status: criteria provided, single submitter. Criteria: CeGaT Center For Human Genetics Tuebingen Variant Classification Criteria Version 2. Collection method: clinical testing. Allele origin: germline. Affected: yes. Observed: 45 variant alleles.
Comment: TRDN: BS1, BS2

Labcorp Genetics (formerly Invitae), Labcorp
Classification: Benign for Catecholaminergic polymorphic ventricular tachycardia 1. Last evaluated: 2026-02-03. Review status: criteria provided, single submitter. Criteria: Invitae Variant Classification Sherloc (09022015). Collection method: clinical testing. Allele origin: germline.

ARUP Laboratories, Molecular Genetics and Genomics, ARUP Laboratories
Classification: Benign for Catecholaminergic polymorphic ventricular tachycardia 5. Last evaluated: 2025-06-25. Review status: criteria provided, single submitter. Criteria: ARUP Molecular Germline Variant Investigation Process 2024. Collection method: clinical testing. Allele origin: germline.

Blueprint Genetics
Classification: Likely benign. Last evaluated: 2024-11-26. Review status: criteria provided, single submitter. Criteria: ACMG Guidelines, 2015. Collection method: clinical testing. Allele origin: germline.

Mayo Clinic Laboratories, Mayo Clinic
Classification: Benign. Last evaluated: 2024-03-12. Review status: criteria provided, single submitter. Criteria: ACMG Guidelines, 2015. Collection method: clinical testing. Allele origin: germline. Observed: 13 variant alleles.
Comment: BS1, BS2, BP4

Women's Health and Genetics/Laboratory Corporation of America, LabCorp
Classification: Likely benign. Last evaluated: 2023-04-10. Review status: criteria provided, single submitter. Criteria: LabCorp Variant Classification Summary - May 2015. Collection method: clinical testing. Allele origin: germline.

GeneDx
Classification: Benign. Last evaluated: 2016-09-28. Review status: criteria provided, single submitter. Criteria: GeneDx Variant Classification (06012015). Collection method: clinical testing. Allele origin: germline. Affected: yes.
Comment: This variant is considered likely benign or benign based on one or more of the following criteria: it is a conservative change, it occurs at a poorly conserved position in the protein, it is predicted to be benign by multiple in silico algorithms, and/or has population frequency not consistent with disease.

Laboratory for Molecular Medicine, Mass General Brigham Personalized Medicine
Classification: Benign. Last evaluated: 2015-05-14. Review status: criteria provided, single submitter. Criteria: LMM Criteria. Collection method: clinical testing. Allele origin: germline. Observed: 13 variant alleles.
Comment: p.Glu135Lys in exon 4 of TRDN: This variant is not expected to have clinical sig nificance because it has been identified in 1.3% (118/8804) of European chromoso mes including 1 homozygous individual by the Exome Aggregation Consortium (dbSNP rs192289289).

Ambry Genetics
Classification: Benign for Cardiovascular phenotype. Last evaluated: 2015-04-22. Review status: criteria provided, single submitter. Criteria: Ambry Variant Classification Scheme 2023. Collection method: clinical testing. Allele origin: germline.

Clinical Genetics, Academic Medical Center
Classification: Benign. Review status: no assertion criteria provided. Collection method: clinical testing. Allele origin: germline. Affected: yes. Study: VKGL Data-share Consensus. Not counted in ClinVar's aggregate classification.

Joint Genome Diagnostic Labs from Nijmegen and Maastricht, Radboudumc and MUMC+
Classification: Benign. Review status: no assertion criteria provided. Collection method: clinical testing. Allele origin: germline. Affected: yes. Study: VKGL Data-share Consensus. Not counted in ClinVar's aggregate classification.

NM_006073.4(TRDN):c.403G>A (p.Glu135Lys)

Gene: TRDN (triadin; minus strand). Cytogenetic location: 6q22.31.
Variant type: single nucleotide variant.
Coding change: c.403G>A on transcript NM_006073.4 (MANE Select); coding-DNA position 403, G replaced by A.
Protein change: p.Glu135Lys; replaces glutamic acid 135 with lysine.
Molecular consequence: missense variant.
Genome position (GRCh38, 1-based): chr6:123,547,361, C>T on the plus strand (G>A on the coding strand, the complement: TRDN is on the minus strand). VCF-style: chr6-123547361-C-T. GRCh37 (hg19) VCF-style: chr6-123868506-C-T.
Other names: c.403G>A, p.Glu135Lys (NM_001251987.2, NM_001256020.2, NM_001256021.2 and 1 more transcripts); short protein forms E135K.
Identifiers: ClinVar variation 227120 (VCV000227120.64), dbSNP rs192289289, ClinGen allele CA3984391.